The following is an entry in ClinVar:

NM_173354.5(SIK1):c.1294C>T (p.Arg432Trp)

Gene: SIK1 (salt inducible kinase 1; minus strand). Cytogenetic location: 21q22.3.
Variant type: single nucleotide variant.
Coding change: c.1294C>T on transcript NM_173354.5 (MANE Select); coding-DNA position 1294, C replaced by T.
Protein change: p.Arg432Trp; replaces arginine 432 with tryptophan.
Molecular consequence: missense variant.
Genome position (GRCh38, 1-based): chr21:43,419,189, G>A on the plus strand (C>T on the coding strand, the complement: SIK1 is on the minus strand). VCF-style: chr21-43419189-G-A. GRCh37 (hg19) VCF-style: chr21-44839069-G-A.
Other names: short protein forms R432W.
Identifiers: ClinVar variation 848500 (VCV000848500.47), dbSNP rs748371566, ClinGen allele CA321325919.
Genomic context (GRCh38, chr21:43,419,189, plus strand): 5'-GCCCCTGCCTGGCCTCCTCACTGATGGCTGTGTCCAGCAGGCTGCTTGGGGACACGGGCC[G>A]GGGCCGGAACACTCCGCTGCAGCTGGCATCCACCGGGAAGAACAAGGGCTGCGTTGGAGA-3'
Protein context (NP_775490.2, residues 422-442): DASCSGVFRP[Arg432Trp]PVSPSSLLDT

ClinVar aggregate classification (germline): Conflicting classifications of pathogenicity. Review status: criteria provided, conflicting classifications (1 of 4 stars). 4 submissions from 4 submitters: Uncertain significance (3); Likely benign (1). Last evaluated 2024-02-22.

Conditions:
Developmental and epileptic encephalopathy, 30 (DEE30). Also called: Epileptic encephalopathy, early infantile, 30. Identifiers: MedGen C4225360, MONDO:0014595, OMIM 616341.
Inborn genetic diseases. Identifiers: MedGen C0950123, MeSH D030342.

Allele frequency attached by ClinVar (database versions not stated): gnomAD exomes 0.00005; ExAC 0.00012.

Submissions (4):

Labcorp Genetics (formerly Invitae), Labcorp
Classification: Uncertain significance for Developmental and epileptic encephalopathy, 30. Last evaluated: 2024-02-22. Review status: criteria provided, single submitter. Criteria: Invitae Variant Classification Sherloc (09022015). Collection method: clinical testing. Allele origin: germline.
Comment: This sequence change replaces arginine, which is basic and polar, with tryptophan, which is neutral and slightly polar, at codon 432 of the SIK1 protein (p.Arg432Trp). The frequency data for this variant in the population databases is considered unreliable, as metrics indicate poor data quality at this position in the gnomAD database. This missense change has been observed in individual(s) with clinical features of SIK1-related conditions (PMID: 36703223). ClinVar contains an entry for this variant (Variation ID: 848500). Advanced modeling of protein sequence and biophysical properties (such as structural, functional, and spatial information, amino acid conservation, physicochemical variation, residue mobility, and thermodynamic stability) performed at Invitae indicates that this missense variant is not expected to disrupt SIK1 protein function with a negative predictive value of 95%. In summary, the available evidence is currently insufficient to determine the role of this variant in disease. Therefore, it has been classified as a Variant of Uncertain Significance.

Dubai Health Genomic Medicine Center, Dubai Health
Classification: Uncertain significance. Last evaluated: 2022-12-17. Review status: criteria provided, single submitter. Criteria: ACMG Guidelines, 2015. Collection method: clinical testing. Allele origin: germline. Affected: yes.

CeGaT Center for Human Genetics Tuebingen
Classification: Uncertain significance. Last evaluated: 2021-06-01. Review status: criteria provided, single submitter. Criteria: CeGaT Center For Human Genetics Tuebingen Variant Classification Criteria Version 2. Collection method: clinical testing. Allele origin: germline. Affected: yes. Observed: 1 variant allele.

Ambry Genetics
Classification: Likely benign for Inborn genetic diseases. Last evaluated: 2019-06-07. Review status: criteria provided, single submitter. Criteria: Ambry Variant Classification Scheme 2023. Collection method: clinical testing. Allele origin: germline.

Literature cited by the submitters: PubMed 36703223 (cited by Labcorp Genetics (formerly Invitae), Labcorp).